The following is an entry in ClinVar:

NM_004560.4(ROR2):c.527C>T (p.Pro176Leu)

Gene: ROR2 (receptor tyrosine kinase like orphan receptor 2; minus strand). Cytogenetic location: 9q22.31.
Variant type: single nucleotide variant.
Coding change: c.527C>T on transcript NM_004560.4 (MANE Select); coding-DNA position 527, C replaced by T.
Protein change: p.Pro176Leu; replaces proline 176 with leucine.
Molecular consequence: missense variant.
Genome position (GRCh38, 1-based): chr9:91,737,486, G>A on the plus strand (C>T on the coding strand, the complement: ROR2 is on the minus strand). VCF-style: chr9-91737486-G-A. GRCh37 (hg19) VCF-style: chr9-94499768-G-A.
Other names: c.527C>T, p.Pro176Leu (NM_001318204.2); short protein forms P176L.
Identifiers: ClinVar variation 3614460 (VCV003614460.2).

ClinVar aggregate classification (germline): Uncertain significance (1 of 4 stars; one submission).

gnomAD v4.1: 2 of 1,614,214 alleles (0.00012%); highest among the groups gnomAD compares: Admixed American, 0.0017%; no homozygotes.

Submission:

Labcorp Genetics (formerly Invitae), Labcorp
Classification: Uncertain significance. Last evaluated: 2024-03-07. Review status: criteria provided, single submitter. Criteria: Invitae Variant Classification Sherloc (09022015). Collection method: clinical testing. Allele origin: germline.
Comment: This sequence change replaces proline, which is neutral and non-polar, with leucine, which is neutral and non-polar, at codon 176 of the ROR2 protein (p.Pro176Leu). This variant is present in population databases (no rsID available, gnomAD 0.003%). This variant has not been reported in the literature in individuals affected with ROR2-related conditions. Advanced modeling of protein sequence and biophysical properties (such as structural, functional, and spatial information, amino acid conservation, physicochemical variation, residue mobility, and thermodynamic stability) performed at Invitae indicates that this missense variant is not expected to disrupt ROR2 protein function with a negative predictive value of 80%. In summary, the available evidence is currently insufficient to determine the role of this variant in disease. Therefore, it has been classified as a Variant of Uncertain Significance.